The following is an entry in ClinVar:

ClinVar aggregate classification (germline): Pathogenic (1 of 4 stars; one submission).

Conditions:
Ehlers-Danlos syndrome due to tenascin-X deficiency (EDSCLL1). Also called: Ehlers-Danlos syndrome, classic-like, 1; EHLERS-DANLOS SYNDROME, CLASSIC-LIKE; TNXB-Related Classical-Like Ehlers-Danlos Syndrome; EDS DUE TO TNX DEFICIENCY; TNX DEFICIENCY. Identifiers: Orphanet 230839, MedGen C1848029, MONDO:0011670, OMIM 606408.

Submission:

Myriad Genetics, Inc.
Classification: Pathogenic for Ehlers-Danlos syndrome due to tenascin-X deficiency. Last evaluated: 2024-08-31. Review status: criteria provided, single submitter. Criteria: Myriad Autosomal Dominant, Autosomal Recessive and X-Linked Classification Criteria (2023). Collection method: clinical testing. Allele origin: unknown.
Comment: NM_019105.6(TNXB):c.9057C>G(Y3019*) is expected to be pathogenic in the context of classical-like Ehlers-Danlos syndrome, TNXB-related. This variant is predicted to lead to an abnormal or absent protein product due to the creation of a premature termination codon in TNXB, a gene where loss-of-function variants are known to be pathogenic. Please note: this variant was assessed in the context of healthy population screening.

NM_001365276.2(TNXB):c.9063C>G (p.Tyr3021Ter)

Gene: TNXB (tenascin XB; minus strand). Cytogenetic location: 6p21.33.
Variant type: single nucleotide variant.
Coding change: c.9063C>G on transcript NM_001365276.2 (MANE Select); coding-DNA position 9063, C replaced by G.
Protein change: p.Tyr3021Ter; replaces tyrosine 3021 with a stop codon.
Molecular consequence: nonsense.
Genome position (GRCh38, 1-based): chr6:32,052,722, G>C on the plus strand (C>G on the coding strand, the complement: TNXB is on the minus strand). VCF-style: chr6-32052722-G-C. GRCh37 (hg19) VCF-style: chr6-32020499-G-C.
Other names: c.9804C>G, p.Tyr3268Ter (NM_001428335.1); c.9057C>G, p.Tyr3019Ter (NM_019105.8); short protein forms Y3019*, Y3021*, Y3268*.
Identifiers: ClinVar variation 5013514 (VCV005013514.1).